The following is an entry in ClinVar:

NM_002834.5(PTPN11):c.1232C>T (p.Thr411Met)

Gene: PTPN11 (protein tyrosine phosphatase non-receptor type 11; plus strand). Cytogenetic location: 12q24.13.
Variant type: single nucleotide variant.
Coding change: c.1232C>T on transcript NM_002834.5 (MANE Select); coding-DNA position 1232, C replaced by T.
Protein change: p.Thr411Met; replaces threonine 411 with methionine.
Molecular consequence: missense variant.
Genome position (GRCh38, 1-based): chr12:112,486,482, C>T. VCF-style: chr12-112486482-C-T. GRCh37 (hg19) VCF-style: chr12-112924286-C-T.
Other names: c.1244C>T, p.Thr415Met (NM_001330437.2); c.1229C>T, p.Thr410Met (NM_001374625.1); c.1232C>T, p.Thr411Met (NM_080601.3); c.1232C>T (NM_002834.4); short protein forms T411M, T415M, T410M.
Identifiers: ClinVar variation 13341 (VCV000013341.61), dbSNP rs121918467, ClinGen allele CA256755.
Genomic context (GRCh38, chr12:112,486,482, plus strand): 5'-TCAACCTCTTGATTTATTTAATTCTTTTCTGGTTTTTCTTGGCTCTACTCCAGGGGAATA[C>T]GGAGAGAACGGTCTGGCAATACCACTTTCGGACCTGGCCGGACCACGGCGTGCCCAGCGA-3'
Protein context (NP_002825.3, residues 401-421): LKLSKVGQGN[Thr411Met]ERTVWQYHFR

ClinVar aggregate classification (germline): Uncertain significance. Review status: reviewed by expert panel (3 of 4 stars). 10 submissions from 10 submitters: Uncertain significance (1). 9 of the submissions do not count toward it. Last evaluated 2019-12-05.

Conditions:
Acute megakaryoblastic leukemia in down syndrome. Identifiers: Orphanet 99887, MedGen C5925108, MONDO:0020526.
Cardiovascular phenotype. Identifiers: MedGen CN230736.
LEOPARD syndrome 1 (LPRD1). Also called: PTPN11-Related LEOPARD Syndrome; LENTIGINOSIS, CARDIOMYOPATHIC; MULTIPLE LENTIGINES SYNDROME. Identifiers: Orphanet 500, MedGen C4551484, MONDO:0100082, OMIM 151100.
Juvenile myelomonocytic leukemia (JMML). Also called: LEUKEMIA, JUVENILE MYELOMONOCYTIC, SOMATIC. Identifiers: Orphanet 86834, MedGen C0349639, MONDO:0011908, OMIM 607785, HP:0012209.
Noonan syndrome 1 (NS1). Also called: PTPN11-Related Noonan Syndrome; FEMALE PSEUDO-TURNER SYNDROME; TURNER PHENOTYPE WITH NORMAL KARYOTYPE. Identifiers: Orphanet 648, MedGen C4551602, MONDO:0008104, OMIM 163950. Disease mechanism: gain of function.
Metachondromatosis (METCDS). Identifiers: Orphanet 2499, MedGen C0410530, MONDO:0007979, OMIM 156250.
RASopathy. Also called: rasopathies; Noonan spectrum disorder. Identifiers: Orphanet 536391, MedGen C5555857, MONDO:0021060.

Allele frequency attached by ClinVar (database versions not stated): TOPMed 0.00002.
gnomAD v4.1: 21 of 1,613,772 alleles (0.0013%); highest among the groups gnomAD compares: African/African-American, 0.0053%; no homozygotes.

Submissions (10):

ClinGen RASopathy Variant Curation Expert Panel
Classification: Uncertain significance for RASopathy. Last evaluated: 2019-12-05. Review status: reviewed by expert panel. Criteria: ClinGen RASopathy ACMG Specifications v1. Collection method: curation. Allele origin: germline. Inheritance: Autosomal dominant inheritance.
Comment: The c.1232C>T (p.Thr411Met) variant PTPN11 is present in 0.003% (3/113264) non-Finnish European alleles in gnomAD. The variant is located in the PTPN11 gene, which has been defined by the ClinGen RASopathy Expert Panel as a gene with a low rate of benign missense variants and pathogenic missense variants are common (PP2; PMID: 29493581). Observed cases from laboratories and publications lack sufficient clinical phenotypic information to support or refute pathogenicity (Institut Universitaire d'Hematologie internal data; Institute of Human Genetics, University Hospital Magdeburg, Germany internal data; PMID:15384080). In summary, the clinical significance of the p.Thr411Met variant is uncertain. RASopathy-specific ACMG/AMP criteria applied (PMID:29493581): PP2.

3billion
Classification: Uncertain significance for Noonan syndrome 1. Last evaluated: 2025-09-04. Review status: criteria provided, single submitter. Criteria: ACMG Guidelines, 2015. Collection method: clinical testing. Allele origin: germline. Affected: yes. Not counted in ClinVar's aggregate classification.
Comment: The variant is observed at an extremely low frequency in the gnomAD v4.1.0 dataset (total allele frequency: 0.001%). Predicted Consequence/Location: Missense variant. Missense changes are a common disease-causing mechanism. In silico tool predictions suggest damaging effect of the variant on gene or gene product [REVEL: 0.63 (>=0.6, sensitivity 0.68 and specificity 0.92); 3Cnet: 0.96 (> 0.75, sensitivity 0.96 and precision 0.92)]. The same nucleotide change resulting in the same amino acid change has been previously reported as pathogenic/likely pathogenic with strong evidence (ClinVar ID: VCV000013341 /PMID: 15384080). Therefore, this variant is classified as VUS according to the recommendation of ACMG/AMP guideline.

Labcorp Genetics (formerly Invitae), Labcorp
Classification: Uncertain significance for RASopathy. Last evaluated: 2025-06-12. Review status: criteria provided, single submitter. Criteria: Invitae Variant Classification Sherloc (09022015). Collection method: clinical testing. Allele origin: germline. Not counted in ClinVar's aggregate classification.
Comment: This sequence change replaces threonine, which is neutral and polar, with methionine, which is neutral and non-polar, at codon 411 of the PTPN11 protein (p.Thr411Met). This variant is present in population databases (rs121918467, gnomAD 0.003%). This missense change has been observed in individual(s) with clinical features of Noonan syndrome (PMID: 15384080). ClinVar contains an entry for this variant (Variation ID: 13341). Invitae Evidence Modeling of protein sequence and biophysical properties (such as structural, functional, and spatial information, amino acid conservation, physicochemical variation, residue mobility, and thermodynamic stability) indicates that this missense variant is not expected to disrupt PTPN11 protein function with a negative predictive value of 80%. In summary, the available evidence is currently insufficient to determine the role of this variant in disease. Therefore, it has been classified as a Variant of Uncertain Significance.

Ambry Genetics
Classification: Uncertain significance for Cardiovascular phenotype. Last evaluated: 2023-06-08. Review status: criteria provided, single submitter. Criteria: Ambry Variant Classification Scheme 2023. Collection method: clinical testing. Allele origin: germline. Not counted in ClinVar's aggregate classification.
Comment: The p.T411M variant (also known as c.1232C>T), located in coding exon 11 of the PTPN11 gene, results from a C to T substitution at nucleotide position 1232. The threonine at codon 411 is replaced by methionine, an amino acid with similar properties. In one study, this alteration was detected in three individuals from one family: one who met diagnostic criteria for Noonan syndrome and two who showed some symptoms, but did not meet formal diagnostic criteria. In addition, this alteration was not detected in two unaffected individuals from the same family (Bertola DR et al. Am. J. Med. Genet. A, 2004 Nov;130A:378-83). This alteration has also been noted in a stillbirth cohort (Stanley KE et al. N Engl J Med, 2020 Sep;383:1107-1116). This amino acid position is highly conserved in available vertebrate species. In addition, the in silico prediction for this alteration is inconclusive. Since supporting evidence is limited at this time, the clinical significance of this alteration remains unclear.

Genomic Diagnostic Laboratory, Division of Genomic Diagnostics, Children's Hospital of Philadelphia
Classification: Likely pathogenic for Acute megakaryoblastic leukemia in down syndrome. Last evaluated: 2020-09-01. Review status: criteria provided, single submitter. Criteria: AMP Guidelines, 2017. Collection method: clinical testing. Allele origin: somatic. Affected: yes. Observed: 1 variant allele. Not counted in ClinVar's aggregate classification.

Mayo Clinic Laboratories, Mayo Clinic
Classification: Uncertain significance. Last evaluated: 2019-09-16. Review status: criteria provided, single submitter. Criteria: ACMG Guidelines, 2015. Collection method: clinical testing. Allele origin: germline. Observed: 1 variant allele. Not counted in ClinVar's aggregate classification.

CeGaT Center for Human Genetics Tuebingen
Classification: Uncertain significance. Last evaluated: 2019-07-01. Review status: criteria provided, single submitter. Criteria: CeGaT Center For Human Genetics Tuebingen Variant Classification Criteria Version 2. Collection method: clinical testing. Allele origin: germline. Affected: yes. Observed: 2 variant alleles. Not counted in ClinVar's aggregate classification.

Institute for Genomic Statistics and Bioinformatics, University Hospital Bonn
Classification: Pathogenic for Noonan syndrome 1. Review status: criteria provided, single submitter. Criteria: ACMG Guidelines, 2015. Collection method: clinical testing. Allele origin: unknown. Affected: yes. Observed: 1 variant allele. Not counted in ClinVar's aggregate classification.

Juno Genomics, Hangzhou Juno Genomics, Inc
Classification: Uncertain significance for LEOPARD syndrome 1; Juvenile myelomonocytic leukemia; Metachondromatosis; Noonan syndrome 1. Review status: criteria provided, single submitter. Criteria: ACMG Guidelines, 2015. Collection method: clinical testing. Allele origin: germline. Not counted in ClinVar's aggregate classification.
Comment: Absent from controls (or at extremely low frequency if recessive) in Genome Aggregation Database.;Missense variant in a gene that has a low rate of benign missense variation.

OMIM
Classification: Pathogenic for NOONAN SYNDROME. Last evaluated: 2004-11-01. Review status: no assertion criteria provided. Collection method: literature only. Allele origin: germline. Not counted in ClinVar's aggregate classification.

Literature cited by the submitters: PubMed 15384080 (cited by 4 submitters); PubMed 16358218 (cited by Ambry Genetics); PubMed 16804314 (cited by Ambry Genetics); PubMed 17020470 (cited by Ambry Genetics); PubMed 24803665 (cited by Ambry Genetics); PubMed 32786180 (cited by Ambry Genetics).